The following is an entry in ClinVar:

NM_005228.5(EGFR):c.1960C>T (p.Leu654Phe)

Gene: EGFR (epidermal growth factor receptor; plus strand). Cytogenetic location: 7p11.2.
Variant type: single nucleotide variant.
Coding change: c.1960C>T on transcript NM_005228.5 (MANE Select); coding-DNA position 1960, C replaced by T.
Protein change: p.Leu654Phe; replaces leucine 654 with phenylalanine.
Molecular consequence: missense variant.
Genome position (GRCh38, 1-based): chr7:55,173,023, C>T. VCF-style: chr7-55173023-C-T. GRCh37 (hg19) VCF-style: chr7-55240716-C-T.
Other names: c.1960C>T (NM_005228.3); c.1825C>T, p.Leu609Phe (NM_001346897.2, NM_001346899.2); c.1960C>T, p.Leu654Phe (NM_001346898.2); c.1801C>T, p.Leu601Phe (NM_001346900.2); c.1159C>T, p.Leu387Phe (NM_001346941.2); short protein forms L387F, L601F, L609F, L654F.
Identifiers: ClinVar variation 1020225 (VCV001020225.8), dbSNP rs1584222281, ClinGen allele CA367582990.

ClinVar aggregate classification (germline): Uncertain significance. Review status: criteria provided, multiple submitters, no conflicts (2 of 4 stars). 2 submissions from 2 submitters: Uncertain significance (2). Last evaluated 2025-08-28.

Conditions:
Hereditary cancer-predisposing syndrome. Also called: Tumor predisposition; Neoplastic Syndromes, Hereditary; Hereditary neoplastic syndrome; Hereditary Cancer Syndrome. Identifiers: Orphanet 140162, MedGen C0027672, MeSH D009386, MONDO:0015356.
EGFR-related lung cancer (EGFR). Identifiers: MedGen CN130014.

Allele frequency attached by ClinVar (database versions not stated): gnomAD below 0.00001 and 0.00001; gnomAD exomes below 0.00001; TOPMed below 0.00001.
gnomAD v4.1: 2 of 1,614,040 alleles (0.00012%); highest among the groups gnomAD compares: South Asian, 0.0022%; no homozygotes.

Submissions (2):

Ambry Genetics
Classification: Uncertain significance for Hereditary cancer-predisposing syndrome. Last evaluated: 2025-08-28. Review status: criteria provided, single submitter. Criteria: Ambry Variant Classification Scheme 2023. Collection method: clinical testing. Allele origin: germline.
Comment: The p.L654F variant (also known as c.1960C>T), located in coding exon 17 of the EGFR gene, results from a C to T substitution at nucleotide position 1960. The leucine at codon 654 is replaced by phenylalanine, an amino acid with highly similar properties. This amino acid position is well conserved in available vertebrate species. In addition, this alteration is predicted to be tolerated by in silico analysis. Based on the available evidence, the clinical significance of this variant remains unclear.

Labcorp Genetics (formerly Invitae), Labcorp
Classification: Uncertain significance for EGFR-related lung cancer. Last evaluated: 2023-12-29. Review status: criteria provided, single submitter. Criteria: Invitae Variant Classification Sherloc (09022015). Collection method: clinical testing. Allele origin: germline.
Comment: This sequence change replaces leucine, which is neutral and non-polar, with phenylalanine, which is neutral and non-polar, at codon 654 of the EGFR protein (p.Leu654Phe). This variant is not present in population databases (gnomAD no frequency). This variant has not been reported in the literature in individuals affected with EGFR-related conditions. ClinVar contains an entry for this variant (Variation ID: 1020225). Advanced modeling of protein sequence and biophysical properties (such as structural, functional, and spatial information, amino acid conservation, physicochemical variation, residue mobility, and thermodynamic stability) performed at Invitae indicates that this missense variant is not expected to disrupt EGFR protein function with a negative predictive value of 80%. In summary, the available evidence is currently insufficient to determine the role of this variant in disease. Therefore, it has been classified as a Variant of Uncertain Significance.